The following is an entry in ClinVar:

NM_006892.4(DNMT3B):c.130C>T (p.Pro44Ser)

Gene: DNMT3B (DNA methyltransferase 3 beta; plus strand). Cytogenetic location: 20q11.21.
Variant type: single nucleotide variant.
Coding change: c.130C>T on transcript NM_006892.4 (MANE Select); coding-DNA position 130, C replaced by T.
Protein change: p.Pro44Ser; replaces proline 44 with serine.
Molecular consequence: missense variant.
Genome position (GRCh38, 1-based): chr20:32,780,453, C>T. VCF-style: chr20-32780453-C-T. GRCh37 (hg19) VCF-style: chr20-31368259-C-T.
Other names: c.130C>T, p.Pro44Ser (NM_001207055.2, NM_001207056.2, NM_175848.2 and 1 more transcripts); c.166C>T, p.Pro56Ser (NM_175850.3); short protein forms P56S, P44S.
Identifiers: ClinVar variation 2070091 (VCV002070091.1), dbSNP rs2515452014, ClinGen allele CA408584919.

ClinVar aggregate classification (germline): Uncertain significance (1 of 4 stars; one submission).

Conditions:
Centromeric instability of chromosomes 1,9 and 16 and immunodeficiency (ICF1). Also called: CENTROMERIC INSTABILITY, IMMUNODEFICIENCY SYNDROME; Immunodeficiency-centromeric instability-facial anomalies; IMMUNE DEFICIENCY, VARIABLE, WITH CENTROMERIC INSTABILITY OF CHROMOSOMES 1, 9, AND 16; IMMUNODEFICIENCY SYNDROME, VARIABLE. Identifiers: Orphanet 2268, MedGen C0398788, MONDO:0000133.

Submission:

Labcorp Genetics (formerly Invitae), Labcorp
Classification: Uncertain significance for Centromeric instability of chromosomes 1,9 and 16 and immunodeficiency. Last evaluated: 2022-01-02. Review status: criteria provided, single submitter. Criteria: Invitae Variant Classification Sherloc (09022015). Collection method: clinical testing. Allele origin: germline.
Comment: This sequence change replaces proline, which is neutral and non-polar, with serine, which is neutral and polar, at codon 44 of the DNMT3B protein (p.Pro44Ser). This variant is not present in population databases (gnomAD no frequency). This variant has not been reported in the literature in individuals affected with DNMT3B-related conditions. Algorithms developed to predict the effect of missense changes on protein structure and function (SIFT, PolyPhen-2, Align-GVGD) all suggest that this variant is likely to be tolerated. In summary, the available evidence is currently insufficient to determine the role of this variant in disease. Therefore, it has been classified as a Variant of Uncertain Significance.